The following is an entry in ClinVar:

ClinVar aggregate classification (germline): Uncertain significance (1 of 4 stars; one submission).

Conditions:
Inborn genetic diseases. Identifiers: MedGen C0950123, MeSH D030342.

Submission:

Ambry Genetics
Classification: Uncertain significance for Inborn genetic diseases. Last evaluated: 2026-04-05. Review status: criteria provided, single submitter. Criteria: Ambry Variant Classification Scheme 2023. Collection method: clinical testing. Allele origin: germline.
Comment: The p.S236C variant (also known as c.707C>G), located in coding exon 7 of the FANCA gene, results from a C to G substitution at nucleotide position 707. The serine at codon 236 is replaced by cysteine, an amino acid with dissimilar properties. This amino acid position is conserved. In addition, this alteration is predicted to be tolerated by in silico analysis. Based on the available evidence, the clinical significance of this variant remains unclear.

NM_000135.4(FANCA):c.707C>G (p.Ser236Cys)

Gene: FANCA (FA complementation group A; minus strand). Cytogenetic location: 16q24.3.
Variant type: single nucleotide variant.
Coding change: c.707C>G on transcript NM_000135.4 (MANE Select); coding-DNA position 707, C replaced by G.
Protein change: p.Ser236Cys; replaces serine 236 with cysteine.
Molecular consequence: missense variant.
Genome position (GRCh38, 1-based): chr16:89,805,282, G>C on the plus strand (C>G on the coding strand, the complement: FANCA is on the minus strand). VCF-style: chr16-89805282-G-C. GRCh37 (hg19) VCF-style: chr16-89871690-G-C.
Other names: c.707C>G, p.Ser236Cys (NM_001018112.3, NM_001286167.3); c.611C>G, p.Ser204Cys (NM_001351830.2); short protein forms S204C, S236C.
Identifiers: ClinVar variation 4870820 (VCV004870820.1).